The following is an entry in ClinVar:

NC_012920.1(MT-TL1):m.3272T>C

Gene: MT-TL1 (mitochondrially encoded tRNA leucine 1 (UUA/G); plus strand).
Variant type: single nucleotide variant.
Genome position: chrM-3272-T-C.
Identifiers: ClinVar variation 689865 (VCV000689865.1), dbSNP rs1603218865, ClinGen allele CA913169075.
Genomic context (GRCh38, chrMT:3,272, plus strand): 5'-CACCCAAGAACAGGGTTTGTTAAGATGGCAGAGCCCGGTAATCGCATAAAACTTAAAACT[T>C]TACAGTCAGAGGTTCAATTCCTCTTCTTAACAACATACCCATGGCCAACCTCCTACTCCT-3'

ClinVar aggregate classification (germline): Uncertain significance (1 of 4 stars; one submission).

Conditions:
MELAS syndrome (MELAS). Also called: Juvenile myopathy, encephalopathy, lactic acidosis, stroke. Identifiers: Orphanet 550, MedGen C0162671, MONDO:0010789, OMIM 540000.

Submission:

Wong Mito Lab, Molecular and Human Genetics, Baylor College of Medicine
Classification: Uncertain significance for MELAS syndrome. Last evaluated: 2019-07-12. Review status: criteria provided, single submitter. Criteria: Modified ACMG Guidelines (Unpublished). Collection method: clinical testing. Allele origin: germline.
Comment: The NC_012920.1:m.3272T>C variant in MT-TL1 gene is interpreted to be a Unknown Significance variant based on the modified ACMG guidelines (unpublished). This variant meets the following evidence codes reported in the guidelines: PP3, PP7

Literature cited by the submitters: PubMed 31965079.